The following is an entry in ClinVar:

NM_030962.4(SBF2):c.5037+1G>A

Genes: SBF2 (SET binding factor 2; minus strand), SBF2-AS1 (SBF2 antisense RNA 1; plus strand), LOC105369149 (uncharacterized LOC105369149; plus strand). Cytogenetic location: 11p15.4.
Variant type: single nucleotide variant.
Coding change: c.5037+1G>A on transcript NM_030962.4 (MANE Select); the canonical splice donor site of the intron after coding-DNA position 5037, G replaced by A.
Molecular consequence: splice donor variant.
Genome position (GRCh38, 1-based): chr11:9,787,633, C>T on the plus strand (G>A on the coding strand, the complement: SBF2 is on the minus strand). VCF-style: chr11-9787633-C-T. GRCh37 (hg19) VCF-style: chr11-9809180-C-T.
Other names: c.4908+1G>A (NM_001386342.1); c.5133+1G>A (NM_001386339.1).
Identifiers: ClinVar variation 403859 (VCV000403859.12), dbSNP rs1060499999, ClinGen allele CA16613472.

ClinVar aggregate classification (germline): Pathogenic (1 of 4 stars; one submission).

Conditions:
Charcot-Marie-Tooth disease type 4. Also called: Charcot-Marie-Tooth, Type 4; Charcot-Marie-Tooth disease, type IV. Identifiers: Orphanet 64749, MedGen C4082197, MONDO:0018995.

Allele frequency attached by ClinVar (database versions not stated): gnomAD exomes below 0.00001.
gnomAD v4.1: 5 of 1,613,654 alleles (0.00031%); highest among the groups gnomAD compares: Non-Finnish European, 0.00042%; no homozygotes.

Submissions (2):

Labcorp Genetics (formerly Invitae), Labcorp
Classification: Pathogenic for Charcot-Marie-Tooth disease type 4. Last evaluated: 2025-02-06. Review status: criteria provided, single submitter. Criteria: Invitae Variant Classification Sherloc (09022015). Collection method: clinical testing. Allele origin: germline.
Comment: This sequence change affects a donor splice site in intron 36 of the SBF2 gene. It is expected to disrupt RNA splicing. Variants that disrupt the donor or acceptor splice site typically lead to a loss of protein function (PMID: 16199547), and loss-of-function variants in SBF2 are known to be pathogenic (PMID: 12687498, 25873783). This variant is not present in population databases (gnomAD no frequency). Disruption of this splice site has been observed in individual(s) with clinical features of Charcot-Marie-Tooth disease (internal data). In at least one individual the data is consistent with being in trans (on the opposite chromosome) from a pathogenic variant. ClinVar contains an entry for this variant (Variation ID: 403859). Algorithms developed to predict the effect of sequence changes on RNA splicing suggest that this variant may disrupt the consensus splice site. For these reasons, this variant has been classified as Pathogenic.

Dr. Peter K. Rogan Lab, Western University
No classification provided (evidence only). Condition: Ovarian serous cystadenocarcinoma. Review status: no classification provided. Collection method: in vitro. Allele origin: not applicable. Functional consequence: retained intron. Not counted in ClinVar's aggregate classification.

Literature cited by the submitters: PubMed 16199547 (cited by Labcorp Genetics (formerly Invitae), Labcorp); PubMed 12687498 (cited by Labcorp Genetics (formerly Invitae), Labcorp); PubMed 25873783 (cited by Labcorp Genetics (formerly Invitae), Labcorp).